The following is an entry in ClinVar:

ClinVar aggregate classification (germline): Uncertain significance (1 of 4 stars; one submission).

Allele frequency attached by ClinVar (database versions not stated): gnomAD exomes below 0.00001; TOPMed below 0.00001; ExAC 0.00001.
gnomAD v4.1: 6 of 1,614,074 alleles (0.00037%); highest among the groups gnomAD compares: South Asian, 0.0066%; no homozygotes.

Submission:

Labcorp Genetics (formerly Invitae), Labcorp
Classification: Uncertain significance. Last evaluated: 2021-12-14. Review status: criteria provided, single submitter. Criteria: Invitae Variant Classification Sherloc (09022015). Collection method: clinical testing. Allele origin: germline.
Comment: This variant has not been reported in the literature in individuals affected with HMCN1-related conditions. Algorithms developed to predict the effect of missense changes on protein structure and function (SIFT, PolyPhen-2, Align-GVGD) all suggest that this variant is likely to be disruptive. In summary, the available evidence is currently insufficient to determine the role of this variant in disease. Therefore, it has been classified as a Variant of Uncertain Significance. This sequence change replaces isoleucine, which is neutral and non-polar, with valine, which is neutral and non-polar, at codon 4496 of the HMCN1 protein (p.Ile4496Val). This variant is present in population databases (rs773105363, gnomAD 0.003%).

NM_031935.3(HMCN1):c.13486A>G (p.Ile4496Val)

Gene: HMCN1 (hemicentin 1; plus strand). Cytogenetic location: 1q31.1.
Variant type: single nucleotide variant.
Coding change: c.13486A>G on transcript NM_031935.3 (MANE Select); coding-DNA position 13486, A replaced by G.
Protein change: p.Ile4496Val; replaces isoleucine 4496 with valine.
Molecular consequence: missense variant.
Genome position (GRCh38, 1-based): chr1:186,136,841, A>G. VCF-style: chr1-186136841-A-G. GRCh37 (hg19) VCF-style: chr1-186105973-A-G.
Other names: short protein forms I4496V.
Identifiers: ClinVar variation 1961968 (VCV001961968.5), dbSNP rs773105363, ClinGen allele CA1294671.